The following is an entry in ClinVar:

NM_001368809.2(AMPD2):c.2360G>A (p.Gly787Asp)

Gene: AMPD2 (adenosine monophosphate deaminase 2; plus strand). Cytogenetic location: 1p13.3.
Variant type: single nucleotide variant.
Coding change: c.2360G>A on transcript NM_001368809.2 (MANE Select); coding-DNA position 2360, G replaced by A.
Protein change: p.Gly787Asp; replaces glycine 787 with aspartic acid.
Molecular consequence: missense variant.
Genome position (GRCh38, 1-based): chr1:109,631,034, G>A. VCF-style: chr1-109631034-G-A. GRCh37 (hg19) VCF-style: chr1-110173656-G-A.
Other names: c.2522G>A, p.Gly841Asp (NM_001257360.2); c.2168G>A, p.Gly723Asp (NM_001257361.2); c.2297G>A, p.Gly766Asp (NM_001308170.1); c.2360G>A, p.Gly787Asp (NM_004037.9); c.2279G>A, p.Gly760Asp (NM_139156.4); short protein forms G766D, G787D, G723D, G760D, G841D.
Identifiers: ClinVar variation 2181780 (VCV002181780.4), dbSNP rs1259478581, ClinGen allele CA341563465.

ClinVar aggregate classification (germline): Uncertain significance (1 of 4 stars; one submission).

Conditions:
Hereditary spastic paraplegia 63. Also called: Spastic paraplegia 63, autosomal recessive. Identifiers: Orphanet 401805, MedGen C3810295, MONDO:0014305, OMIM 615686.
Pontocerebellar hypoplasia type 9. Identifiers: Orphanet 369920, MedGen C4014354, MONDO:0014351, OMIM 615809.

Allele frequency attached by ClinVar (database versions not stated): gnomAD exomes below 0.00001.
gnomAD v4.1: 7 of 1,614,156 alleles (0.00043%); highest among the groups gnomAD compares: Non-Finnish European, 0.00051%; no homozygotes.

Submission:

Labcorp Genetics (formerly Invitae), Labcorp
Classification: Uncertain significance for Pontocerebellar hypoplasia type 9; Hereditary spastic paraplegia 63. Last evaluated: 2022-06-23. Review status: criteria provided, single submitter. Criteria: Invitae Variant Classification Sherloc (09022015). Collection method: clinical testing. Allele origin: germline.
Comment: In summary, the available evidence is currently insufficient to determine the role of this variant in disease. Therefore, it has been classified as a Variant of Uncertain Significance. Algorithms developed to predict the effect of missense changes on protein structure and function (SIFT, PolyPhen-2, Align-GVGD) all suggest that this variant is likely to be tolerated. This variant has not been reported in the literature in individuals affected with AMPD2-related conditions. This variant is not present in population databases (gnomAD no frequency). This sequence change replaces glycine, which is neutral and non-polar, with aspartic acid, which is acidic and polar, at codon 841 of the AMPD2 protein (p.Gly841Asp).